The following is an entry in ClinVar:

NM_000143.4(FH):c.831T>C (p.Thr277=)

Gene: FH (fumarate hydratase; minus strand). Cytogenetic location: 1q43.
Variant type: single nucleotide variant.
Coding change: c.831T>C on transcript NM_000143.4 (MANE Select); coding-DNA position 831, T replaced by C.
Protein change: p.Thr277=; no amino-acid change (threonine 277 retained).
Molecular consequence: synonymous variant.
Genome position (GRCh38, 1-based): chr1:241,506,076, A>G on the plus strand (T>C on the coding strand, the complement: FH is on the minus strand). VCF-style: chr1-241506076-A-G. GRCh37 (hg19) VCF-style: chr1-241669376-A-G.
Identifiers: ClinVar variation 822294 (VCV000822294.14), dbSNP rs113349873, ClinGen allele CA424075931.

ClinVar aggregate classification (germline): Benign/Likely benign. Review status: criteria provided, multiple submitters, no conflicts (2 of 4 stars). 3 submissions from 3 submitters: Benign (1); Likely benign (2). Last evaluated 2026-01-04.

Conditions:
Hereditary cancer-predisposing syndrome. Also called: Neoplastic Syndromes, Hereditary; Hereditary Cancer Syndrome; Hereditary neoplastic syndrome; Tumor predisposition. Identifiers: Orphanet 140162, MedGen C0027672, MeSH D009386, MONDO:0015356.
Hereditary leiomyomatosis and renal cell cancer. Also called: Reed syndrome; Multiple cutaneous and uterine leiomyomatosis; Cutaneous leiomyomata with uterine leiomyomata; Leiomyoma, hereditary multiple, of skin; Multiple cutaneous and uterine leiomyomata; Multiple cutaneous leiomyomas. Identifiers: Orphanet 523, MedGen C1708350, MONDO:0007888, OMIM 150800, HP:0007437. Disease mechanism: loss of function.

Submissions (3):

Labcorp Genetics (formerly Invitae), Labcorp
Classification: Likely benign. Last evaluated: 2026-01-04. Review status: criteria provided, single submitter. Criteria: Invitae Variant Classification Sherloc (09022015). Collection method: clinical testing. Allele origin: germline.

Myriad Genetics, Inc.
Classification: Benign for Hereditary leiomyomatosis and renal cell cancer. Last evaluated: 2024-10-18. Review status: criteria provided, single submitter. Criteria: Myriad Autosomal Dominant, Autosomal Recessive and X-Linked Classification Criteria (2023). Collection method: clinical testing. Allele origin: unknown.
Comment: This variant is considered benign. This variant is a silent/synonymous amino acid change and it is not expected to impact splicing.

Ambry Genetics
Classification: Likely benign for Hereditary cancer-predisposing syndrome. Last evaluated: 2019-03-19. Review status: criteria provided, single submitter. Criteria: Ambry Variant Classification Scheme 2023. Collection method: clinical testing. Allele origin: germline.